The following is an entry in ClinVar:

NM_000179.3(MSH6):c.1627_1629del (p.Lys543del)

Gene: MSH6 (mutS homolog 6; plus strand). Cytogenetic location: 2p16.3.
Variant type: Deletion.
Coding change: c.1627_1629del on transcript NM_000179.3 (MANE Select); coding-DNA positions 1627 to 1629, 3 bases deleted (AAA; older notation c.1627_1629delAAA).
Protein change: p.Lys543del; deletes lysine 543.
Molecular consequence: inframe deletion.
Genome position (GRCh38, 1-based): chr2:47,799,610-47,799,612, AAA deleted. VCF-style (leftmost placement, unchanged base first): chr2-47799609-CAAA-C. GRCh37 (hg19) VCF-style: chr2-48026748-CAAA-C.
Other names: c.1237_1239del, p.Lys413del (NM_001281492.2); c.721_723del, p.Lys241del (NM_001281493.2, NM_001281494.2); short protein forms K543del, K241del, K413del.
Identifiers: ClinVar variation 819697 (VCV000819697.4), dbSNP rs1572723719, ClinGen allele CA915943918.

ClinVar aggregate classification (germline): Uncertain significance (1 of 4 stars; one submission).

Conditions:
Hereditary cancer-predisposing syndrome. Also called: Neoplastic Syndromes, Hereditary; Tumor predisposition; Hereditary Cancer Syndrome; Hereditary neoplastic syndrome. Identifiers: Orphanet 140162, MedGen C0027672, MeSH D009386, MONDO:0015356.

Submission:

Ambry Genetics
Classification: Uncertain significance for Hereditary cancer-predisposing syndrome. Last evaluated: 2018-06-29. Review status: criteria provided, single submitter. Criteria: Ambry Variant Classification Scheme 2023. Collection method: clinical testing. Allele origin: germline.
Comment: The c.1627_1629delAAA variant (also known as p.K543del) is located in coding exon 4 of the MSH6 gene. This variant results from an in-frame AAA deletion at nucleotide positions 1627 to 1629. This results in the in-frame deletion of a lysine at codon 543. This amino acid position is well conserved in available vertebrate species. Since supporting evidence is limited at this time, the clinical significance of this alteration remains unclear.